The following is an entry in ClinVar:

ClinVar aggregate classification (germline): Likely pathogenic, low penetrance (1 of 4 stars; one submission).

Conditions:
Atypical hemolytic-uremic syndrome. Identifiers: Orphanet 2134, MedGen C2931788, MONDO:0016244.

Submission:

Genomenon, Inc
Classification: Likely pathogenic, low penetrance for Atypical hemolytic-uremic syndrome. Last evaluated: 2025-09-26. Review status: criteria provided, single submitter. Criteria: Genomenon Sequence Variant Interpretation Standards - Updated. Collection method: curation. Allele origin: germline. Affected: yes.
Comment: CFI p.Asp519Tyr (c.1555G>T) is a missense variant that changes the amino acid at residue 519 from Aspartic acid to Tyrosine. This variant has been observed in at least one proband affected with atypical hemolytic-uremic syndrome (PMID:24853860). The variant is located in a mutational hotspot. It is absent or not present at a significant frequency in gnomAD. In silico models agree that this variant is possibly or probably damaging. In conclusion, we classify CFI p.Asp519Tyr (c.1555G>T) as a likely pathogenic, low penetrance variant.

Literature cited by the submitters: PubMed 24853860.

NM_000204.5(CFI):c.1555G>T (p.Asp519Tyr)

Gene: CFI (complement factor I; minus strand). Cytogenetic location: 4q25.
Variant type: single nucleotide variant.
Coding change: c.1555G>T on transcript NM_000204.5 (MANE Select); coding-DNA position 1555, G replaced by T.
Protein change: p.Asp519Tyr; replaces aspartic acid 519 with tyrosine.
Molecular consequence: missense variant. On other transcripts: intron variant (7), 3 prime UTR variant (2), non-coding transcript variant (3).
Genome position (GRCh38, 1-based): chr4:109,741,090, C>A on the plus strand (G>T on the coding strand, the complement: CFI is on the minus strand). VCF-style: chr4-109741090-C-A. GRCh37 (hg19) VCF-style: chr4-110662246-C-A.
Other names: c.1558+1401G>T (NM_001375278.1, NM_001440988.1); c.946G>T, p.Asp316Tyr (NM_001375284.1); c.1576G>T, p.Asp526Tyr (NM_001440986.1); c.*255G>T (NM_001440989.1, NM_001440991.1); c.1513+1401G>T (NM_001375282.1, NM_001375280.1); c.1534+1401G>T (NM_001375281.1, NM_001375279.1); c.1555+1401G>T (NM_001440985.1); c.1579G>T, p.Asp527Tyr (NM_001318057.2); and 2 more; short protein forms D316Y, D500Y, D512Y, D519Y, D526Y, D527Y.
Identifiers: ClinVar variation 4280461 (VCV004280461.1).